The following is an entry in ClinVar:

NM_005633.4(SOS1):c.922C>T (p.His308Tyr)

Gene: SOS1 (SOS Ras/Rac guanine nucleotide exchange factor 1; minus strand). Cytogenetic location: 2p22.1.
Variant type: single nucleotide variant.
Coding change: c.922C>T on transcript NM_005633.4 (MANE Select); coding-DNA position 922, C replaced by T.
Protein change: p.His308Tyr; replaces histidine 308 with tyrosine.
Molecular consequence: missense variant.
Genome position (GRCh38, 1-based): chr2:39,035,443, G>A on the plus strand (C>T on the coding strand, the complement: SOS1 is on the minus strand). VCF-style: chr2-39035443-G-A. GRCh37 (hg19) VCF-style: chr2-39262584-G-A.
Other names: c.901C>T, p.His301Tyr (NM_001382394.1); c.922C>T, p.His308Tyr (NM_001382395.1); short protein forms H308Y, H301Y.
Identifiers: ClinVar variation 1927477 (VCV001927477.5), dbSNP rs2529092946, ClinGen allele CA346367399.

ClinVar aggregate classification (germline): Uncertain significance (1 of 4 stars; one submission).

Conditions:
RASopathy. Also called: rasopathies; Noonan spectrum disorder. Identifiers: Orphanet 536391, MedGen C5555857, MONDO:0021060.

Submission:

Labcorp Genetics (formerly Invitae), Labcorp
Classification: Uncertain significance for RASopathy. Last evaluated: 2025-01-02. Review status: criteria provided, single submitter. Criteria: Invitae Variant Classification Sherloc (09022015). Collection method: clinical testing. Allele origin: germline.
Comment: This sequence change replaces histidine, which is basic and polar, with tyrosine, which is neutral and polar, at codon 308 of the SOS1 protein (p.His308Tyr). This variant is not present in population databases (gnomAD no frequency). This variant has not been reported in the literature in individuals affected with SOS1-related conditions. ClinVar contains an entry for this variant (Variation ID: 1927477). Invitae Evidence Modeling of protein sequence and biophysical properties (such as structural, functional, and spatial information, amino acid conservation, physicochemical variation, residue mobility, and thermodynamic stability) has been performed for this missense variant. However, the output from this modeling did not meet the statistical confidence thresholds required to predict the impact of this variant on SOS1 protein function. In summary, the available evidence is currently insufficient to determine the role of this variant in disease. Therefore, it has been classified as a Variant of Uncertain Significance.